The following is an entry in ClinVar:

ClinVar aggregate classification (germline): Uncertain significance (1 of 4 stars; one submission).

Conditions:
Microcephaly-intellectual disability-sensorineural hearing loss-epilepsy-abnormal muscle tone syndrome (NEDHSB). Also called: NEURODEVELOPMENTAL DISORDER WITH HEARING LOSS, SEIZURES, AND BRAIN ABNORMALITIES. Identifiers: Orphanet 457351, MedGen C4225276, MONDO:0014698, OMIM 616577.

Allele frequency attached by ClinVar (database versions not stated): gnomAD 0.00001; gnomAD exomes 0.00001; ExAC 0.00002; TOPMed 0.00002; 1000 Genomes Project 0.00020; 1000 Genomes Project 30x 0.00031.
gnomAD v4.1: 10 of 1,612,842 alleles (0.00062%); highest among the groups gnomAD compares: Admixed American, 0.0033%; no homozygotes.

Submission:

Labcorp Genetics (formerly Invitae), Labcorp
Classification: Uncertain significance for Microcephaly-intellectual disability-sensorineural hearing loss-epilepsy-abnormal muscle tone syndrome. Last evaluated: 2022-08-31. Review status: criteria provided, single submitter. Criteria: Invitae Variant Classification Sherloc (09022015). Collection method: clinical testing. Allele origin: germline.
Comment: This sequence change replaces histidine, which is basic and polar, with arginine, which is basic and polar, at codon 69 of the SPATA5 protein (p.His69Arg). This variant is present in population databases (rs201699296, gnomAD 0.0009%). This variant has not been reported in the literature in individuals affected with SPATA5-related conditions. ClinVar contains an entry for this variant (Variation ID: 863543). Algorithms developed to predict the effect of missense changes on protein structure and function (SIFT, PolyPhen-2, Align-GVGD) all suggest that this variant is likely to be tolerated. In summary, the available evidence is currently insufficient to determine the role of this variant in disease. Therefore, it has been classified as a Variant of Uncertain Significance.

NM_145207.3(AFG2A):c.206A>G (p.His69Arg)

Gene: AFG2A (AAA ATPase AFG2A; plus strand). Cytogenetic location: 4q28.1.
Variant type: single nucleotide variant.
Coding change: c.206A>G on transcript NM_145207.3 (MANE Select); coding-DNA position 206, A replaced by G.
Protein change: p.His69Arg; replaces histidine 69 with arginine.
Molecular consequence: missense variant.
Genome position (GRCh38, 1-based): chr4:122,927,676, A>G. VCF-style: chr4-122927676-A-G. GRCh37 (hg19) VCF-style: chr4-123848831-A-G.
Other names: c.203A>G, p.His68Arg (NM_001317799.2, NM_001345856.2); short protein forms H68R, H69R.
Identifiers: ClinVar variation 863543 (VCV000863543.6), dbSNP rs201699296, ClinGen allele CA3070159.